The following is an entry in ClinVar:

ClinVar aggregate classification (germline): Uncertain significance. Review status: criteria provided, multiple submitters, no conflicts (2 of 4 stars). 2 submissions from 2 submitters: Uncertain significance (2). Last evaluated 2024-04-28.

Conditions:
Dyskeratosis congenita. Identifiers: Orphanet 1775, MedGen C0265965, MONDO:0015780.

Allele frequency attached by ClinVar (database versions not stated): gnomAD exomes below 0.00001 and 0.00001; TOPMed below 0.00001.

Submissions (2):

Labcorp Genetics (formerly Invitae), Labcorp
Classification: Uncertain significance for Dyskeratosis congenita. Last evaluated: 2024-04-28. Review status: criteria provided, single submitter. Criteria: Invitae Variant Classification Sherloc (09022015). Collection method: clinical testing. Allele origin: germline.
Comment: This sequence change replaces tryptophan, which is neutral and slightly polar, with arginine, which is basic and polar, at codon 271 of the CTC1 protein (p.Trp271Arg). The frequency data for this variant in the population databases is considered unreliable, as metrics indicate poor data quality at this position in the gnomAD database. This variant has not been reported in the literature in individuals affected with CTC1-related conditions. ClinVar contains an entry for this variant (Variation ID: 1375631). Advanced modeling of protein sequence and biophysical properties (such as structural, functional, and spatial information, amino acid conservation, physicochemical variation, residue mobility, and thermodynamic stability) performed at Invitae indicates that this missense variant is expected to disrupt CTC1 protein function with a positive predictive value of 80%. In summary, the available evidence is currently insufficient to determine the role of this variant in disease. Therefore, it has been classified as a Variant of Uncertain Significance.

Blueprint Genetics
Classification: Uncertain significance. Last evaluated: 2023-01-24. Review status: criteria provided, single submitter. Criteria: ACMG Guidelines, 2015. Collection method: clinical testing. Allele origin: germline.

NM_025099.6(CTC1):c.811T>C (p.Trp271Arg)

Gene: CTC1 (CST telomere replication complex component 1; minus strand). Cytogenetic location: 17p13.1.
Variant type: single nucleotide variant.
Coding change: c.811T>C on transcript NM_025099.6 (MANE Select); coding-DNA position 811, T replaced by C.
Protein change: p.Trp271Arg; replaces tryptophan 271 with arginine.
Molecular consequence: missense variant. On other transcripts: non-coding transcript variant (1).
Genome position (GRCh38, 1-based): chr17:8,236,324, A>G on the plus strand (T>C on the coding strand, the complement: CTC1 is on the minus strand). VCF-style: chr17-8236324-A-G. GRCh37 (hg19) VCF-style: chr17-8139642-A-G.
Other names: short protein forms W271R.
Identifiers: ClinVar variation 1375631 (VCV001375631.6), dbSNP rs1313170347, ClinGen allele CA397989154.
Genomic context (GRCh38, chr17:8,236,324, plus strand): 5'-TCTTGGACACTCGCAGTTCTGTCAGCACATAGGCTGTACCAGGCCGAAGGGCTCTGTGCC[A>G]CACCAGCTGGGCAGGGACCTGGCTTGTGCAGAGACAGGCAATGTGACACAAGAGACCCCA-3'
Protein context (NP_079375.3, residues 261-281): IIVQVPAQLV[Trp271Arg]HRALRPGTAY